The following is an entry in ClinVar:

ClinVar aggregate classification (germline): Uncertain significance (1 of 4 stars; one submission).

Conditions:
Wilms tumor 1 (WT1). Also called: Wilms tumor, somatic. Identifiers: Orphanet 654, MedGen CN033288, MONDO:0008679, OMIM 194070.

Submission:

Labcorp Genetics (formerly Invitae), Labcorp
Classification: Uncertain significance for Wilms tumor 1. Last evaluated: 2020-02-24. Review status: criteria provided, single submitter. Criteria: Invitae Variant Classification Sherloc (09022015). Collection method: clinical testing. Allele origin: germline.
Comment: This sequence change replaces serine with arginine at codon 386 of the GPC3 protein (p.Ser386Arg). The serine residue is moderately conserved and there is a moderate physicochemical difference between serine and arginine. This variant is not present in population databases (ExAC no frequency). This variant has not been reported in the literature in individuals with GPC3-related conditions. Algorithms developed to predict the effect of missense changes on protein structure and function are either unavailable or do not agree on the potential impact of this missense change (SIFT: "Deleterious"; PolyPhen-2: "Possibly Damaging"; Align-GVGD: "Class C0"). In summary, the available evidence is currently insufficient to determine the role of this variant in disease. Therefore, it has been classified as a Variant of Uncertain Significance.

NM_004484.4(GPC3):c.1158C>G (p.Ser386Arg)

Gene: GPC3 (glypican 3; minus strand). Cytogenetic location: Xq26.2.
Variant type: single nucleotide variant.
Coding change: c.1158C>G on transcript NM_004484.4 (MANE Select); coding-DNA position 1158, C replaced by G.
Protein change: p.Ser386Arg; replaces serine 386 with arginine.
Molecular consequence: missense variant.
Genome position (GRCh38, 1-based): chrX:133,699,903, G>C on the plus strand (C>G on the coding strand, the complement: GPC3 is on the minus strand). VCF-style: chrX-133699903-G-C. GRCh37 (hg19) VCF-style: chrX-132833931-G-C.
Other names: c.1227C>G, p.Ser409Arg (NM_001164617.2); c.1110C>G, p.Ser370Arg (NM_001164618.2); c.996C>G, p.Ser332Arg (NM_001164619.2); short protein forms S332R, S370R, S386R, S409R.
Identifiers: ClinVar variation 1008034 (VCV001008034.11), dbSNP rs1317567175, ClinGen allele CA414699394.